The following is an entry in ClinVar:

NM_000302.4(PLOD1):c.2114C>T (p.Thr705Met)

Gene: PLOD1 (procollagen-lysine,2-oxoglutarate 5-dioxygenase 1; plus strand). Cytogenetic location: 1p36.22.
Variant type: single nucleotide variant.
Coding change: c.2114C>T on transcript NM_000302.4 (MANE Select); coding-DNA position 2114, C replaced by T.
Protein change: p.Thr705Met; replaces threonine 705 with methionine.
Molecular consequence: missense variant.
Genome position (GRCh38, 1-based): chr1:11,974,738, C>T. VCF-style: chr1-11974738-C-T. GRCh37 (hg19) VCF-style: chr1-12034795-C-T.
Other names: c.2255C>T, p.Thr752Met (NM_001316320.2); short protein forms T705M, T752M.
Identifiers: ClinVar variation 421155 (VCV000421155.5), dbSNP rs377406897, ClinGen allele CA598677.
Genomic context (GRCh38, chr1:11,974,738, plus strand): 5'-ACAACTGTTCCATCCGAGCCCCAAGGAAGGGCTGGACCCTCATGCACCCTGGACGACTCA[C>T]GCATTACCATGAGGGGCTCCCCACCACCAGGGGCACCCGCTACATCGCAGTCTCCTTCGT-3'
Protein context (NP_000293.2, residues 695-715): GWTLMHPGRL[Thr705Met]HYHEGLPTTR

ClinVar aggregate classification (germline): Conflicting classifications of pathogenicity. Review status: criteria provided, conflicting classifications (1 of 4 stars). 2 submissions from 2 submitters: Likely pathogenic (1); Uncertain significance (1). Last evaluated 2022-03-27.

Conditions:
Ehlers-Danlos syndrome, kyphoscoliotic type 1 (EDSKSCL1). Also called: Ehlers-Danlos syndrome, hydroxylysine-deficient; EHLERS-DANLOS SYNDROME, TYPE VIA; EHLERS-DANLOS SYNDROME, OCULAR-SCOLIOTIC TYPE; PLOD1-Related Kyphoscoliotic Ehlers-Danlos Syndrome. Identifiers: Orphanet 1900, MedGen C0268342, MONDO:0016002, OMIM 225400. Disease mechanism: loss of function.

Allele frequency attached by ClinVar (database versions not stated): gnomAD exomes below 0.00001 and 0.00001; ExAC 0.00001; gnomAD 0.00002; TOPMed 0.00002; ESP Exome Variant Server 0.00008.
gnomAD v4.1: 10 of 1,613,808 alleles (0.00062%); highest among the groups gnomAD compares: African/African-American, 0.004%; no homozygotes.

Submissions (2):

Labcorp Genetics (formerly Invitae), Labcorp
Classification: Uncertain significance for Ehlers-Danlos syndrome, kyphoscoliotic type 1. Last evaluated: 2022-03-27. Review status: criteria provided, single submitter. Criteria: Invitae Variant Classification Sherloc (09022015). Collection method: clinical testing. Allele origin: germline.
Comment: This sequence change replaces threonine, which is neutral and polar, with methionine, which is neutral and non-polar, at codon 705 of the PLOD1 protein (p.Thr705Met). This variant is present in population databases (rs377406897, gnomAD 0.007%). This variant has not been reported in the literature in individuals affected with PLOD1-related conditions. ClinVar contains an entry for this variant (Variation ID: 421155). Algorithms developed to predict the effect of missense changes on protein structure and function are either unavailable or do not agree on the potential impact of this missense change (SIFT: "Deleterious"; PolyPhen-2: "Probably Damaging"; Align-GVGD: "Class C0"). In summary, the available evidence is currently insufficient to determine the role of this variant in disease. Therefore, it has been classified as a Variant of Uncertain Significance.

GeneDx
Classification: Likely pathogenic. Last evaluated: 2021-09-30. Review status: criteria provided, single submitter. Criteria: GeneDx Variant Classification Process June 2021. Collection method: clinical testing. Allele origin: germline. Affected: yes.
Comment: Has not been previously published as pathogenic or benign to our knowledge; Not observed at significant frequency in large population cohorts (Lek et al., 2016); In silico analysis supports that this missense variant has a deleterious effect on protein structure/function